The following is an entry in ClinVar:

NM_021067.5(GINS1):c.227C>T (p.Thr76Ile)

Gene: GINS1 (GINS complex subunit 1; plus strand). Cytogenetic location: 20p11.21.
Variant type: single nucleotide variant.
Coding change: c.227C>T on transcript NM_021067.5 (MANE Select); coding-DNA position 227, C replaced by T.
Protein change: p.Thr76Ile; replaces threonine 76 with isoleucine.
Molecular consequence: missense variant. On other transcripts: non-coding transcript variant (1), intron variant (1).
Genome position (GRCh38, 1-based): chr20:25,417,190, C>T. VCF-style: chr20-25417190-C-T. GRCh37 (hg19) VCF-style: chr20-25397826-C-T.
Other names: c.227C>T, p.Thr76Ile (NM_001410830.1); c.76-8021C>T (NM_001410831.1); short protein forms T76I.
Identifiers: ClinVar variation 4263754 (VCV004263754.2).

ClinVar aggregate classification (germline): Uncertain significance. Review status: criteria provided, multiple submitters, no conflicts (2 of 4 stars). 2 submissions from 2 submitters: Uncertain significance (2). Last evaluated 2025-08-24.

gnomAD v4.1: 35 of 1,538,864 alleles (0.0023%); highest among the groups gnomAD compares: Non-Finnish European, 0.0031%; no homozygotes.

Submissions (2):

Labcorp Genetics (formerly Invitae), Labcorp
Classification: Uncertain significance. Last evaluated: 2025-08-24. Review status: criteria provided, single submitter. Criteria: Invitae Variant Classification Sherloc (09022015). Collection method: clinical testing. Allele origin: germline.
Comment: This sequence change replaces threonine, which is neutral and polar, with isoleucine, which is neutral and non-polar, at codon 76 of the GINS1 protein (p.Thr76Ile). This variant is not present in population databases (gnomAD no frequency). This variant has not been reported in the literature in individuals affected with GINS1-related conditions. An algorithm developed to predict the effect of missense changes on protein structure and function outputs the following: PolyPhen-2: "Benign". The isoleucine amino acid residue is found in multiple mammalian species, which suggests that this missense change does not adversely affect protein function. In summary, the available evidence is currently insufficient to determine the role of this variant in disease. Therefore, it has been classified as a Variant of Uncertain Significance.

Ambry Genetics
Classification: Uncertain significance. Last evaluated: 2025-06-18. Review status: criteria provided, single submitter. Criteria: Ambry Variant Classification Scheme 2023. Collection method: clinical testing. Allele origin: germline.